The following is an entry in ClinVar:

ClinVar aggregate classification (germline): Benign. Review status: criteria provided, multiple submitters, no conflicts (2 of 4 stars). 2 submissions from 2 submitters: Benign (2). Last evaluated 2016-03-29.

Allele frequency attached by ClinVar (database versions not stated): 1000 Genomes Project 0.00120; 1000 Genomes Project 30x 0.00125; ESP Exome Variant Server 0.00434; TOPMed 0.00453; gnomAD 0.00561 and 0.00565; gnomAD exomes 0.00683; ExAC 0.00837.
gnomAD v4.1: 10,631 of 1,593,750 alleles (0.67%); highest among the groups gnomAD compares: South Asian, 0.8%; 61 homozygotes.

Submissions (2):

GeneDx
Classification: Benign. Last evaluated: 2016-03-29. Review status: criteria provided, single submitter. Criteria: GeneDx Variant Classification (06012015). Collection method: clinical testing. Allele origin: germline. Affected: yes.
Comment: This variant is considered likely benign or benign based on one or more of the following criteria: it is a conservative change, it occurs at a poorly conserved position in the protein, it is predicted to be benign by multiple in silico algorithms, and/or has population frequency not consistent with disease.

Breakthrough Genomics
Classification: Benign. Review status: criteria provided, single submitter. Criteria: ACMG Guidelines, 2015. Collection method: not provided. Allele origin: germline. Inheritance: Autosomal recessive inheritance. Affected: yes.

NM_004046.6(ATP5F1A):c.-32G>T

Genes: ATP5F1A (ATP synthase F1 subunit alpha; minus strand), LOC126862738 (BRD4-independent group 4 enhancer GRCh37_chr18:43677662-43678861; plus strand). Cytogenetic location: 18q21.1.
Variant type: single nucleotide variant.
Coding change: c.-32G>T on transcript NM_004046.6 (MANE Select); 32 bases upstream of the start codon, G replaced by T.
Molecular consequence: 5 prime UTR variant.
Genome position (GRCh38, 1-based): chr18:46,098,263, C>A on the plus strand (G>T on the coding strand, the complement: ATP5F1A is on the minus strand). VCF-style: chr18-46098263-C-A. GRCh37 (hg19) VCF-style: chr18-43678229-C-A.
Other names: c.-255G>T (NM_001001935.3); c.-32G>T (NM_001001937.2, NM_001257334.2); c.-518G>T (NM_001257335.2).
Identifiers: ClinVar variation 380534 (VCV000380534.2), dbSNP rs367840441, ClinGen allele CA8951031.